The following is an entry in ClinVar:

NM_001128840.3(CACNA1D):c.1529G>A (p.Arg510Gln)

Gene: CACNA1D (calcium voltage-gated channel subunit alpha1 D; plus strand). Cytogenetic location: 3p21.1.
Variant type: single nucleotide variant.
Coding change: c.1529G>A on transcript NM_001128840.3 (MANE Select); coding-DNA position 1529, G replaced by A.
Protein change: p.Arg510Gln; replaces arginine 510 with glutamine.
Molecular consequence: missense variant.
Genome position (GRCh38, 1-based): chr3:53,722,337, G>A. VCF-style: chr3-53722337-G-A. GRCh37 (hg19) VCF-style: chr3-53756364-G-A.
Other names: c.1589G>A, p.Arg530Gln (NM_000720.4); c.1529G>A, p.Arg510Gln (NM_001128839.3); short protein forms R510Q, R530Q.
Identifiers: ClinVar variation 1939058 (VCV001939058.5), dbSNP rs752606091, ClinGen allele CA2454028.
Genomic context (GRCh38, chr3:53,722,337, plus strand): 5'-TCTGTCATCTACGTAGTAATGTTTGCTTGTCTTTTAGCCGACGCTGGCGTCGCTGGAACC[G>A]ATTCAATCGCAGAAGATGTAGGGCCGCCGTGAAGTCTGTCACGTTTTACTGGCTGGTTAT-3'
Protein context (NP_001122312.1, residues 500-520): KLSRRWRRWN[Arg510Gln]FNRRRCRAAV

ClinVar aggregate classification (germline): Uncertain significance (1 of 4 stars; one submission).

Allele frequency attached by ClinVar (database versions not stated): gnomAD exomes below 0.00001; ExAC 0.00001; TOPMed 0.00001.
gnomAD v4.1: 4 of 1,614,224 alleles (0.00025%); highest among the groups gnomAD compares: Admixed American, 0.0033%; no homozygotes.

Submission:

Labcorp Genetics (formerly Invitae), Labcorp
Classification: Uncertain significance. Last evaluated: 2025-06-07. Review status: criteria provided, single submitter. Criteria: Invitae Variant Classification Sherloc (09022015). Collection method: clinical testing. Allele origin: germline.
Comment: This sequence change replaces arginine, which is basic and polar, with glutamine, which is neutral and polar, at codon 530 of the CACNA1D protein (p.Arg530Gln). This variant is present in population databases (rs752606091, gnomAD 0.006%). This variant has not been reported in the literature in individuals affected with CACNA1D-related conditions. ClinVar contains an entry for this variant (Variation ID: 1939058). Invitae Evidence Modeling of protein sequence and biophysical properties (such as structural, functional, and spatial information, amino acid conservation, physicochemical variation, residue mobility, and thermodynamic stability) indicates that this missense variant is not expected to disrupt CACNA1D protein function with a negative predictive value of 80%. In summary, the available evidence is currently insufficient to determine the role of this variant in disease. Therefore, it has been classified as a Variant of Uncertain Significance.